The following is an entry in ClinVar:

ClinVar aggregate classification (germline): Uncertain significance (1 of 4 stars; one submission).

Allele frequency attached by ClinVar (database versions not stated): gnomAD 0.00001; gnomAD exomes 0.00001 and 0.00004; ExAC 0.00002; TOPMed 0.00002.
gnomAD v4.1: 54 of 1,613,954 alleles (0.0033%); highest among the groups gnomAD compares: Non-Finnish European, 0.0042%; no homozygotes.

Submission:

Labcorp Genetics (formerly Invitae), Labcorp
Classification: Uncertain significance. Last evaluated: 2022-06-08. Review status: criteria provided, single submitter. Criteria: Invitae Variant Classification Sherloc (09022015). Collection method: clinical testing. Allele origin: germline.
Comment: This sequence change replaces aspartic acid, which is acidic and polar, with glycine, which is neutral and non-polar, at codon 760 of the IMPG2 protein (p.Asp760Gly). This variant is present in population databases (rs752376755, gnomAD 0.003%). This variant has not been reported in the literature in individuals affected with IMPG2-related conditions. ClinVar contains an entry for this variant (Variation ID: 962695). Algorithms developed to predict the effect of missense changes on protein structure and function are either unavailable or do not agree on the potential impact of this missense change (SIFT: "Deleterious"; PolyPhen-2: "Possibly Damaging"; Align-GVGD: "Class C15"). In summary, the available evidence is currently insufficient to determine the role of this variant in disease. Therefore, it has been classified as a Variant of Uncertain Significance.

NM_016247.4(IMPG2):c.2279A>G (p.Asp760Gly)

Gene: IMPG2 (interphotoreceptor matrix proteoglycan 2; minus strand). Cytogenetic location: 3q12.3.
Variant type: single nucleotide variant.
Coding change: c.2279A>G on transcript NM_016247.4 (MANE Select); coding-DNA position 2279, A replaced by G.
Protein change: p.Asp760Gly; replaces aspartic acid 760 with glycine.
Molecular consequence: missense variant.
Genome position (GRCh38, 1-based): chr3:101,244,052, T>C on the plus strand (A>G on the coding strand, the complement: IMPG2 is on the minus strand). VCF-style: chr3-101244052-T-C. GRCh37 (hg19) VCF-style: chr3-100962896-T-C.
Other names: short protein forms D760G.
Identifiers: ClinVar variation 962695 (VCV000962695.7), dbSNP rs752376755, ClinGen allele CA2519003.